The following is an entry in ClinVar:

NM_004820.5(CYP7B1):c.1481C>A (p.Pro494Gln)

Gene: CYP7B1 (cytochrome P450 family 7 subfamily B member 1; minus strand). Cytogenetic location: 8q12.3.
Variant type: single nucleotide variant.
Coding change: c.1481C>A on transcript NM_004820.5 (MANE Select); coding-DNA position 1481, C replaced by A.
Protein change: p.Pro494Gln; replaces proline 494 with glutamine.
Molecular consequence: missense variant. On other transcripts: intron variant (1).
Genome position (GRCh38, 1-based): chr8:64,596,682, G>T on the plus strand (C>A on the coding strand, the complement: CYP7B1 is on the minus strand). VCF-style: chr8-64596682-G-T. GRCh37 (hg19) VCF-style: chr8-65509239-G-T.
Other names: c.1234-6838C>A (NM_001324112.2); short protein forms P494Q.
Identifiers: ClinVar variation 1046138 (VCV001046138.8), dbSNP rs1394882103, ClinGen allele CA371333079.

ClinVar aggregate classification (germline): Uncertain significance (1 of 4 stars; one submission).

Conditions:
Spastic paraplegia. Identifiers: MedGen C0037772, HP:0001258.

Allele frequency attached by ClinVar (database versions not stated): gnomAD exomes below 0.00001; TOPMed below 0.00001.
gnomAD v4.1: 1 of 1,613,288 alleles (0.000062%); highest among the groups gnomAD compares: Non-Finnish European, 0.000085%; no homozygotes.

Submission:

Labcorp Genetics (formerly Invitae), Labcorp
Classification: Uncertain significance for Spastic paraplegia. Last evaluated: 2020-02-05. Review status: criteria provided, single submitter. Criteria: Invitae Variant Classification Sherloc (09022015). Collection method: clinical testing. Allele origin: germline.
Comment: Algorithms developed to predict the effect of missense changes on protein structure and function are either unavailable or do not agree on the potential impact of this missense change (SIFT: "Deleterious"; PolyPhen-2: "Probably Damaging"; Align-GVGD: "Class C0"). This variant has not been reported in the literature in individuals with CYP7B1-related conditions. This variant is not present in population databases (ExAC no frequency). This sequence change replaces proline with glutamine at codon 494 of the CYP7B1 protein (p.Pro494Gln). The proline residue is moderately conserved and there is a moderate physicochemical difference between proline and glutamine. In summary, the available evidence is currently insufficient to determine the role of this variant in disease. Therefore, it has been classified as a Variant of Uncertain Significance.